The following is an entry in ClinVar:

NM_177438.3(DICER1):c.3496G>A (p.Val1166Ile)

Gene: DICER1 (dicer 1, ribonuclease III; minus strand). Cytogenetic location: 14q32.13.
Variant type: single nucleotide variant.
Coding change: c.3496G>A on transcript NM_177438.3 (MANE Select); coding-DNA position 3496, G replaced by A.
Protein change: p.Val1166Ile; replaces valine 1166 with isoleucine.
Molecular consequence: missense variant.
Genome position (GRCh38, 1-based): chr14:95,103,900, C>T on the plus strand (G>A on the coding strand, the complement: DICER1 is on the minus strand). VCF-style: chr14-95103900-C-T. GRCh37 (hg19) VCF-style: chr14-95570237-C-T.
Other names: c.3496G>A, p.Val1166Ile (NM_001195573.1, NM_001271282.3, NM_001291628.2 and 1 more transcripts); short protein forms V1166I.
Identifiers: ClinVar variation 242086 (VCV000242086.14), dbSNP rs368588781, ClinGen allele CA7331030.

ClinVar aggregate classification (germline): Conflicting classifications of pathogenicity. Review status: criteria provided, conflicting classifications (1 of 4 stars). 3 submissions from 3 submitters: Uncertain significance (1); Likely benign (1). 1 of the submissions does not count toward it. Last evaluated 2025-01-20.

Conditions:
DICER1-related disorder. Also called: DICER1-related condition.
DICER1-related tumor predisposition. Also called: DICER1 syndrome; DICER1-related pleuropulmonary blastoma cancer predisposition syndrome. Identifiers: Orphanet 284343, MedGen C3839822, MONDO:0100216.
Hereditary cancer-predisposing syndrome. Also called: Neoplastic Syndromes, Hereditary; Tumor predisposition; Hereditary neoplastic syndrome; Hereditary Cancer Syndrome. Identifiers: Orphanet 140162, MedGen C0027672, MeSH D009386, MONDO:0015356.

Allele frequency attached by ClinVar (database versions not stated): gnomAD exomes below 0.00001; gnomAD 0.00001; TOPMed 0.00001; ExAC 0.00002; ESP Exome Variant Server 0.00008.
gnomAD v4.1: 6 of 1,614,040 alleles (0.00037%); highest among the groups gnomAD compares: East Asian, 0.0022%; no homozygotes.

Submissions (3):

Labcorp Genetics (formerly Invitae), Labcorp
Classification: Uncertain significance for DICER1-related tumor predisposition. Last evaluated: 2025-01-20. Review status: criteria provided, single submitter. Criteria: Invitae Variant Classification Sherloc (09022015). Collection method: clinical testing. Allele origin: germline.
Comment: This sequence change replaces valine, which is neutral and non-polar, with isoleucine, which is neutral and non-polar, at codon 1166 of the DICER1 protein (p.Val1166Ile). This variant is present in population databases (rs368588781, gnomAD 0.007%). This variant has not been reported in the literature in individuals affected with DICER1-related conditions. ClinVar contains an entry for this variant (Variation ID: 242086). Invitae Evidence Modeling of protein sequence and biophysical properties (such as structural, functional, and spatial information, amino acid conservation, physicochemical variation, residue mobility, and thermodynamic stability) indicates that this missense variant is not expected to disrupt DICER1 protein function with a negative predictive value of 95%. In summary, the available evidence is currently insufficient to determine the role of this variant in disease. Therefore, it has been classified as a Variant of Uncertain Significance.

Ambry Genetics
Classification: Likely benign for Hereditary cancer-predisposing syndrome. Last evaluated: 2020-05-01. Review status: criteria provided, single submitter. Criteria: Ambry Variant Classification Scheme 2023. Collection method: clinical testing. Allele origin: germline.

PreventionGenetics, part of Exact Sciences
Classification: Uncertain significance for DICER1-related condition. Last evaluated: 2024-02-29. Review status: no assertion criteria provided. Collection method: clinical testing. Allele origin: germline. Not counted in ClinVar's aggregate classification.
Comment: The DICER1 c.3496G>A variant is predicted to result in the amino acid substitution p.Val1166Ile. To our knowledge, this variant has not been reported in the literature. This variant is reported in 0.0062% of alleles in individuals of African descent in gnomAD (1 allele). This variant is interpreted as likely benign or a variant of uncertain significance in ClinVar. At this time, the clinical significance of this variant is uncertain due to the absence of conclusive functional and genetic evidence.